The following is an entry in ClinVar:

NM_130837.3(OPA1):c.2099A>G (p.Asn700Ser)

Gene: OPA1 (OPA1 mitochondrial dynamin like GTPase; plus strand). Cytogenetic location: 3q29.
Variant type: single nucleotide variant.
Coding change: c.2099A>G on transcript NM_130837.3 (MANE Select); coding-DNA position 2099, A replaced by G.
Protein change: p.Asn700Ser; replaces asparagine 700 with serine.
Molecular consequence: missense variant.
Genome position (GRCh38, 1-based): chr3:193,654,948, A>G. VCF-style: chr3-193654948-A-G. GRCh37 (hg19) VCF-style: chr3-193372737-A-G.
Other names: c.1934A>G (NM_015560.2); c.1565A>G, p.Asn522Ser (NM_001354663.2); c.1562A>G, p.Asn521Ser (NM_001354664.2); c.1934A>G, p.Asn645Ser (NM_015560.3); c.1826A>G, p.Asn609Ser (NM_130831.3); c.1880A>G, p.Asn627Ser (NM_130832.3); c.1937A>G, p.Asn646Ser (NM_130833.3); c.1988A>G, p.Asn663Ser (NM_130834.3); and 2 more; short protein forms N645S, N700S, N682S, N521S, N522S, N609S, N627S, N646S.
Identifiers: ClinVar variation 618257 (VCV000618257.19), dbSNP rs142694017, ClinGen allele CA2759581.

ClinVar aggregate classification (germline): Conflicting classifications of pathogenicity. Review status: criteria provided, conflicting classifications (1 of 4 stars). 4 submissions from 4 submitters: Uncertain significance (3); Likely benign (1). Last evaluated 2025-07-08.

Conditions:
OPA1-related disorder. Also called: OPA1-related condition; OPA1-related disorders.

Allele frequency attached by ClinVar (database versions not stated): ESP Exome Variant Server 0.00015; 1000 Genomes Project 30x 0.00016; 1000 Genomes Project 0.00020; gnomAD exomes below 0.00001 and 0.00002; ExAC 0.00004; gnomAD 0.00009; TOPMed 0.00010.
gnomAD v4.1: 19 of 1,614,012 alleles (0.0012%); highest among the groups gnomAD compares: African/African-American, 0.025%; no homozygotes.

Submissions (4):

GeneDx
Classification: Uncertain significance. Last evaluated: 2025-07-08. Review status: criteria provided, single submitter. Criteria: GeneDx Variant Classification Process June 2021. Collection method: clinical testing. Allele origin: germline.
Comment: Not observed at significant frequency in large population cohorts (gnomAD); In silico analysis indicates that this missense variant does not alter protein structure/function; Has not been previously published as pathogenic or benign to our knowledge

PreventionGenetics, part of Exact Sciences
Classification: Uncertain significance for OPA1-related condition. Last evaluated: 2024-10-30. Review status: criteria provided, single submitter. Criteria: ACMG Guidelines, 2015. Collection method: clinical testing. Allele origin: germline.
Comment: The OPA1 c.2099A>G variant is predicted to result in the amino acid substitution p.Asn700Ser. To our knowledge, this variant has not been reported in the literature. This variant is reported in 0.036% of alleles in individuals of African descent in gnomAD. At this time, the clinical significance of this variant is uncertain due to the absence of conclusive functional and genetic evidence.

Labcorp Genetics (formerly Invitae), Labcorp
Classification: Likely benign. Last evaluated: 2023-10-05. Review status: criteria provided, single submitter. Criteria: Invitae Variant Classification Sherloc (09022015). Collection method: clinical testing. Allele origin: germline.

ARUP Laboratories, Molecular Genetics and Genomics, ARUP Laboratories
Classification: Uncertain significance. Last evaluated: 2017-08-14. Review status: criteria provided, single submitter. Criteria: ARUP Molecular Germline Variant Investigation Process. Collection method: clinical testing. Allele origin: germline.
Comment: The p.Asn700Ser variant (rs142694017) has not been reported in the medical literature, is not listed in gene-specific variant databases, nor has it been previously identified in our laboratory. It is listed in the Genome Aggregation Database (gnomAD) browser with a frequency in African populations of 0.037% (identified in 9 out of 24,028 chromosomes). The asparagine at codon 700 is moderately conserved considering 12 species (Alamut software v2.9), and computational analyses return mixed results regarding the effect of this variant on OPA1 protein structure/function (SIFT: tolerated, PolyPhen2: benign, and Mutation Taster: disease causing). Thus, based on the available information, the clinical significance of the p.Asn700Ser variant cannot be determined with certainty.